The following is an entry in ClinVar:

NM_001046.3(SLC12A2):c.3404C>T (p.Thr1135Ile)

Gene: SLC12A2 (solute carrier family 12 member 2; plus strand). Cytogenetic location: 5q23.3.
Variant type: single nucleotide variant.
Coding change: c.3404C>T on transcript NM_001046.3 (MANE Select); coding-DNA position 3404, C replaced by T.
Protein change: p.Thr1135Ile; replaces threonine 1135 with isoleucine.
Molecular consequence: missense variant. On other transcripts: non-coding transcript variant (1).
Genome position (GRCh38, 1-based): chr5:128,184,470, C>T. VCF-style: chr5-128184470-C-T. GRCh37 (hg19) VCF-style: chr5-127520162-C-T.
Other names: c.3356C>T, p.Thr1119Ile (NM_001256461.2); short protein forms T1119I, T1135I.
Identifiers: ClinVar variation 5037013 (VCV005037013.1).

ClinVar aggregate classification (germline): Uncertain significance (1 of 4 stars; one submission).

gnomAD v4.1: 1 of 1,606,566 alleles (0.000062%); highest among the groups gnomAD compares: Non-Finnish European, 0.000085%; no homozygotes.

Submission:

GeneDx
Classification: Uncertain significance. Last evaluated: 2026-04-09. Review status: criteria provided, single submitter. Criteria: GeneDx Variant Classification Process June 2021. Collection method: clinical testing. Allele origin: germline.
Comment: Not observed at significant frequency in large population cohorts (gnomAD); In silico analysis supports that this missense variant has a deleterious effect on protein structure/function; Has not been previously published as pathogenic or benign to our knowledge